The following is an entry in ClinVar:

ClinVar aggregate classification (germline): Pathogenic (1 of 4 stars; one submission).

Conditions:
Neurofibromatosis, type 1 (NF1). Also called: VON RECKLINGHAUSEN DISEASE; Peripheral type neurofibromatosis; NEUROFIBROMATOSIS, TYPE I, SOMATIC; Neurofibromatosis, type I. Identifiers: Orphanet 636, MedGen C0027831, MONDO:0018975, OMIM 162200. Disease mechanism: loss of function.

Submission:

Labcorp Genetics (formerly Invitae), Labcorp
Classification: Pathogenic for Neurofibromatosis, type 1. Last evaluated: 2025-10-29. Review status: criteria provided, single submitter. Criteria: Invitae Variant Classification Sherloc (09022015). Collection method: clinical testing. Allele origin: germline.
Comment: This sequence change creates a premature translational stop signal (p.Glu924*) in the NF1 gene. It is expected to result in an absent or disrupted protein product. Loss-of-function variants in NF1 are known to be pathogenic (PMID: 10712197, 23913538). This variant is not present in population databases (gnomAD no frequency). This variant has not been reported in the literature in individuals affected with NF1-related conditions. For these reasons, this variant has been classified as Pathogenic.

Literature cited by the submitters: PubMed 10712197; PubMed 23913538.

NM_001042492.3(NF1):c.2770G>T (p.Glu924Ter)

Gene: NF1 (neurofibromin 1; plus strand). Cytogenetic location: 17q11.2.
Variant type: single nucleotide variant.
Coding change: c.2770G>T on transcript NM_001042492.3 (MANE Select); coding-DNA position 2770, G replaced by T.
Protein change: p.Glu924Ter; replaces glutamic acid 924 with a stop codon.
Molecular consequence: nonsense.
Genome position (GRCh38, 1-based): chr17:31,229,385, G>T. VCF-style: chr17-31229385-G-T. GRCh37 (hg19) VCF-style: chr17-29556403-G-T.
Other names: c.2770G>T, p.Glu924Ter (NM_000267.4); short protein forms E924*.
Identifiers: ClinVar variation 4730222 (VCV004730222.1).